The following is an entry in ClinVar:

NM_001349338.3(FOXP1):c.123G>A (p.Thr41=)

Gene: FOXP1 (forkhead box P1; minus strand). Cytogenetic location: 3p13.
Variant type: single nucleotide variant.
Coding change: c.123G>A on transcript NM_001349338.3 (MANE Select); coding-DNA position 123, G replaced by A.
Protein change: p.Thr41=; no amino-acid change (threonine 41 retained).
Molecular consequence: synonymous variant. On other transcripts: non-coding transcript variant (2).
Genome position (GRCh38, 1-based): chr3:71,198,259, C>T on the plus strand (G>A on the coding strand, the complement: FOXP1 is on the minus strand). VCF-style: chr3-71198259-C-T. GRCh37 (hg19) VCF-style: chr3-71247410-C-T.
Other names: c.123G>A, p.Thr41= (NM_001012505.2, NM_001244808.3, NM_001244810.2 and 6 more transcripts).
Identifiers: ClinVar variation 589707 (VCV000589707.18), dbSNP rs201155996, ClinGen allele CA2491454.

ClinVar aggregate classification (germline): Benign/Likely benign. Review status: criteria provided, multiple submitters, no conflicts (2 of 4 stars). 4 submissions from 4 submitters: Benign (1); Likely benign (2). 1 of the submissions does not count toward it. Last evaluated 2025-12-08.

Conditions:
FOXP1-related disorder. Also called: FOXP1-related condition.
Inborn genetic diseases. Identifiers: MedGen C0950123, MeSH D030342.

Allele frequency attached by ClinVar (database versions not stated): ExAC 0.00008; gnomAD exomes 0.00009; gnomAD 0.00030; 1000 Genomes Project 30x 0.00031; ESP Exome Variant Server 0.00031; TOPMed 0.00037; 1000 Genomes Project 0.00040.
gnomAD v4.1: 89 of 1,614,106 alleles (0.0055%); highest among the groups gnomAD compares: African/African-American, 0.081%; no homozygotes.

Submissions (4):

Labcorp Genetics (formerly Invitae), Labcorp
Classification: Benign. Last evaluated: 2025-12-08. Review status: criteria provided, single submitter. Criteria: Invitae Variant Classification Sherloc (09022015). Collection method: clinical testing. Allele origin: germline.

GeneDx
Classification: Likely benign. Last evaluated: 2021-05-21. Review status: criteria provided, single submitter. Criteria: GeneDx Variant Classification Process June 2021. Collection method: clinical testing. Allele origin: germline. Affected: yes.

Ambry Genetics
Classification: Likely benign for Inborn genetic diseases. Last evaluated: 2016-10-24. Review status: criteria provided, single submitter. Criteria: Ambry Variant Classification Scheme 2023. Collection method: clinical testing. Allele origin: germline.

PreventionGenetics, part of Exact Sciences
Classification: Likely benign for FOXP1-related condition. Last evaluated: 2020-03-13. Review status: no assertion criteria provided. Collection method: clinical testing. Allele origin: germline. Not counted in ClinVar's aggregate classification.
Comment: This variant is classified as likely benign based on ACMG/AMP sequence variant interpretation guidelines (Richards et al. 2015 PMID: 25741868, with internal and published modifications).